The following is an entry in ClinVar:

NM_004168.4(SDHA):c.694C>T (p.Arg232Cys)

Gene: SDHA (succinate dehydrogenase complex flavoprotein subunit A; plus strand). Cytogenetic location: 5p15.33.
Variant type: single nucleotide variant.
Coding change: c.694C>T on transcript NM_004168.4 (MANE Select); coding-DNA position 694, C replaced by T.
Protein change: p.Arg232Cys; replaces arginine 232 with cysteine.
Molecular consequence: missense variant.
Genome position (GRCh38, 1-based): chr5:228,257, C>T. VCF-style: chr5-228257-C-T. GRCh37 (hg19) VCF-style: chr5-228372-C-T.
Other names: c.550C>T, p.Arg184Cys (NM_001294332.2); c.694C>T, p.Arg232Cys (NM_001330758.2); short protein forms R232C, R184C.
Identifiers: ClinVar variation 239680 (VCV000239680.19), dbSNP rs878854635, ClinGen allele CA10582421.

ClinVar aggregate classification (germline): Uncertain significance. Review status: criteria provided, multiple submitters, no conflicts (2 of 4 stars). 5 submissions from 5 submitters: Uncertain significance (5). Last evaluated 2025-12-23.

Conditions:
Mitochondrial complex II deficiency, nuclear type 1. Also called: SUCCINATE CoQ REDUCTASE DEFICIENCY. Identifiers: Orphanet 3208, MedGen C5700310, MONDO:0100294, OMIM 252011.
Pheochromocytoma/paraganglioma syndrome 5. Also called: Paragangliomas 5; SDHA-Related Hereditary Paraganglioma-Pheochromocytoma Syndrome. Identifiers: Orphanet 29072, MedGen C3279992, MONDO:0013602, OMIM 614165.
Leigh syndrome (NULS). Also called: Leigh's syndrome; LEIGH SYNDROME, NUCLEAR; Leigh's necrotizing encephalopathy; Leigh's disease; Leigh Syndrome (mtDNA deletion); Leigh Disease. Identifiers: Orphanet 506, MedGen C2931891, MONDO:0009723, OMIM 256000.
Dilated cardiomyopathy 1GG (CMD1GG). Identifiers: Orphanet 154, MedGen C3150898, MONDO:0013339, OMIM 613642.
Hereditary cancer-predisposing syndrome. Also called: Hereditary Cancer Syndrome; Hereditary neoplastic syndrome; Neoplastic Syndromes, Hereditary; Tumor predisposition. Identifiers: Orphanet 140162, MedGen C0027672, MeSH D009386, MONDO:0015356.

Allele frequency attached by ClinVar (database versions not stated): gnomAD exomes below 0.00001 and 0.00004; TOPMed below 0.00001; gnomAD 0.00001.

Submissions (5):

Labcorp Genetics (formerly Invitae), Labcorp
Classification: Uncertain significance for Pheochromocytoma/paraganglioma syndrome 5; Mitochondrial complex II deficiency, nuclear type 1. Last evaluated: 2025-12-23. Review status: criteria provided, single submitter. Criteria: Invitae Variant Classification Sherloc (09022015). Collection method: clinical testing. Allele origin: germline.
Comment: This sequence change replaces arginine, which is basic and polar, with cysteine, which is neutral and slightly polar, at codon 232 of the SDHA protein (p.Arg232Cys). This variant is present in population databases (no rsID available, gnomAD 0.0009%). This variant has not been reported in the literature in individuals affected with SDHA-related conditions. ClinVar contains an entry for this variant (Variation ID: 239680). Invitae Evidence Modeling of protein sequence and biophysical properties (such as structural, functional, and spatial information, amino acid conservation, physicochemical variation, residue mobility, and thermodynamic stability) indicates that this missense variant is not expected to disrupt SDHA protein function with a negative predictive value of 95%. In summary, the available evidence is currently insufficient to determine the role of this variant in disease. Therefore, it has been classified as a Variant of Uncertain Significance.

Ambry Genetics
Classification: Uncertain significance for Hereditary cancer-predisposing syndrome. Last evaluated: 2025-10-06. Review status: criteria provided, single submitter. Criteria: Ambry Variant Classification Scheme 2023. Collection method: clinical testing. Allele origin: germline.
Comment: The p.R232C variant (also known as c.694C>T), located in coding exon 6 of the SDHA gene, results from a C to T substitution at nucleotide position 694. The arginine at codon 232 is replaced by cysteine, an amino acid with highly dissimilar properties. This amino acid position is not well conserved in available vertebrate species. In addition, this alteration is predicted to be tolerated by in silico analysis. Based on the available evidence, the clinical significance of this variant remains unclear.

GeneDx
Classification: Uncertain significance. Last evaluated: 2023-06-27. Review status: criteria provided, single submitter. Criteria: GeneDx Variant Classification Process June 2021. Collection method: clinical testing. Allele origin: germline. Affected: yes.
Comment: Not observed at significant frequency in large population cohorts (gnomAD); In silico analysis supports that this missense variant has a deleterious effect on protein structure/function; Has not been previously published as pathogenic or benign to our knowledge; This variant is associated with the following publications: (PMID: 31925297)

Quest Diagnostics Nichols Institute San Juan Capistrano
Classification: Uncertain significance. Last evaluated: 2023-05-08. Review status: criteria provided, single submitter. Criteria: Quest Diagnostics criteria. Collection method: clinical testing. Allele origin: unknown.
Comment: The variant has not been reported in the published literature. The frequency of this variant in the general population, 0.000004 (1/251172 chromosomes), is uninformative in assessment of its pathogenicity. Analysis of this variant using bioinformatics tools for the prediction of the effect of amino acid changes on protein structure and function yielded conflicting predictions that this variant is benign or damaging. Based on the available information, we are unable to determine the clinical significance of this variant.

Fulgent Genetics
Classification: Uncertain significance for Mitochondrial complex II deficiency, nuclear type 1; Leigh syndrome; Dilated cardiomyopathy 1GG; Pheochromocytoma/paraganglioma syndrome 5. Last evaluated: 2018-10-31. Review status: criteria provided, single submitter. Criteria: ACMG Guidelines, 2015. Collection method: clinical testing. Allele origin: unknown.